The following is an entry in ClinVar:

ClinVar aggregate classification (germline): Uncertain significance (1 of 4 stars; one submission).

gnomAD v4.1: 7 of 1,613,992 alleles (0.00043%); highest among the groups gnomAD compares: South Asian, 0.0077%; no homozygotes.

Submission:

Labcorp Genetics (formerly Invitae), Labcorp
Classification: Uncertain significance. Last evaluated: 2025-01-22. Review status: criteria provided, single submitter. Criteria: Invitae Variant Classification Sherloc (09022015). Collection method: clinical testing. Allele origin: germline.
Comment: This sequence change replaces glutamine, which is neutral and polar, with arginine, which is basic and polar, at codon 486 of the SRP72 protein (p.Gln486Arg). This variant is present in population databases (rs748008594, gnomAD 0.01%). This variant has not been reported in the literature in individuals affected with SRP72-related conditions. Invitae Evidence Modeling of protein sequence and biophysical properties (such as structural, functional, and spatial information, amino acid conservation, physicochemical variation, residue mobility, and thermodynamic stability) indicates that this missense variant is not expected to disrupt SRP72 protein function with a negative predictive value of 80%. In summary, the available evidence is currently insufficient to determine the role of this variant in disease. Therefore, it has been classified as a Variant of Uncertain Significance.

NM_006947.4(SRP72):c.1457A>G (p.Gln486Arg)

Gene: SRP72 (signal recognition particle 72; plus strand). Cytogenetic location: 4q12.
Variant type: single nucleotide variant.
Coding change: c.1457A>G on transcript NM_006947.4 (MANE Select); coding-DNA position 1457, A replaced by G.
Protein change: p.Gln486Arg; replaces glutamine 486 with arginine.
Molecular consequence: missense variant. On other transcripts: non-coding transcript variant (1).
Genome position (GRCh38, 1-based): chr4:56,490,600, A>G. VCF-style: chr4-56490600-A-G. GRCh37 (hg19) VCF-style: chr4-57356766-A-G.
Other names: c.1274A>G, p.Gln425Arg (NM_001267722.2); short protein forms Q425R, Q486R.
Identifiers: ClinVar variation 3666273 (VCV003666273.2).